The following is an entry in ClinVar:

NM_000388.4(CASR):c.427G>A (p.Gly143Arg)

Gene: CASR (calcium sensing receptor; plus strand). Cytogenetic location: 3q21.1.
Variant type: single nucleotide variant.
Coding change: c.427G>A on transcript NM_000388.4 (MANE Select); coding-DNA position 427, G replaced by A.
Protein change: p.Gly143Arg; replaces glycine 143 with arginine.
Molecular consequence: missense variant.
Genome position (GRCh38, 1-based): chr3:122,257,322, G>A. VCF-style: chr3-122257322-G-A. GRCh37 (hg19) VCF-style: chr3-121976169-G-A.
Other names: p.Gly143Arg; c.427G>A, p.Gly143Arg (NM_001178065.2); c.427G>A (NM_001178065.1); short protein forms G143R.
Identifiers: ClinVar variation 237770 (VCV000237770.18), dbSNP rs769256610, ClinGen allele CA2569467.
Genomic context (GRCh38, chr3:122,257,322, plus strand): 5'-TTGAACCTTGATGAGTTCTGCAACTGCTCAGAGCACATTCCCTCTACGATTGCTGTGGTG[G>A]GAGCAACTGGCTCAGGCGTCTCCACGGCAGTGGCAAATCTGCTGGGGCTCTTCTACATTC-3'
Protein context (NP_000379.3, residues 133-153): EHIPSTIAVV[Gly143Arg]ATGSGVSTAV

ClinVar aggregate classification (germline): Pathogenic/Likely pathogenic. Review status: criteria provided, multiple submitters, no conflicts (2 of 4 stars). 6 submissions from 6 submitters: Pathogenic (3); Likely pathogenic (2). 1 of the submissions does not count toward it. Last evaluated 2025-09-08.

Conditions:
CASR-related disorder. Also called: CASR-related condition.
Autosomal dominant hypocalcemia 1 (HYPOC1). Also called: HYPOCALCEMIA, FAMILIAL. Identifiers: MedGen C3715128, MONDO:0011013, OMIM 601198.
Familial hypocalciuric hypercalcemia (FHH). Also called: Familial benign hypercalcemia. Identifiers: Orphanet 405, MedGen C1809471, MONDO:0018458.
Nephrolithiasis/nephrocalcinosis. Identifiers: MedGen CN580796.

Allele frequency attached by ClinVar (database versions not stated): ExAC 0.00001; gnomAD 0.00001; TOPMed 0.00001; gnomAD exomes below 0.00001.
gnomAD v4.1: 4 of 1,613,982 alleles (0.00025%); highest among the groups gnomAD compares: Non-Finnish European, 0.00034%; no homozygotes.

Submissions (6):

Labcorp Genetics (formerly Invitae), Labcorp
Classification: Pathogenic for Familial hypocalciuric hypercalcemia; Autosomal dominant hypocalcemia 1. Last evaluated: 2025-09-08. Review status: criteria provided, single submitter. Criteria: Invitae Variant Classification Sherloc (09022015). Collection method: clinical testing. Allele origin: germline.
Comment: This sequence change replaces glycine, which is neutral and non-polar, with arginine, which is basic and polar, at codon 143 of the CASR protein (p.Gly143Arg). This variant is present in population databases (rs769256610, gnomAD 0.0009%). This missense change has been observed in individuals with familial hypocalciuric hypercalcemia (PMID: 19179454, 32347971, 32430905; internal data). Invitae Evidence Modeling of clinical and family history, age, sex, and reported ancestry of multiple individuals with this CASR variant has been performed. This variant is expected to be pathogenic with a positive predictive value of at least 99%. This is a validated machine learning model that incorporates the clinical features of 646,172 individuals referred to our laboratory for CASR testing. ClinVar contains an entry for this variant (Variation ID: 237770). An algorithm developed to predict the effect of missense changes on protein structure and function (PolyPhen-2) suggests that this variant is likely to be disruptive. This variant disrupts the p.Gly143 amino acid residue in CASR. Other variant(s) that disrupt this residue have been determined to be pathogenic (PMID: 7726161, 8702647, 19389809, 23077345). This suggests that this residue is clinically significant, and that variants that disrupt this residue are likely to be disease-causing. For these reasons, this variant has been classified as Pathogenic.

Mayo Clinic Laboratories, Mayo Clinic
Classification: Pathogenic. Last evaluated: 2025-02-06. Review status: criteria provided, single submitter. Criteria: ACMG Guidelines, 2015. Collection method: clinical testing. Allele origin: germline. Observed: 2 variant alleles.
Comment: PP2, PP3_strong, PM2_supporting, PM5, PS4_moderate

Women's Health and Genetics/Laboratory Corporation of America, LabCorp
Classification: Pathogenic for Familial hypocalciuric hypercalcemia. Last evaluated: 2024-08-28. Review status: criteria provided, single submitter. Criteria: LabCorp Variant Classification Summary - May 2015. Collection method: clinical testing. Allele origin: germline.
Comment: Variant summary: CASR c.427G>A (p.Gly143Arg) results in a non-conservative amino acid change located in the Receptor, ligand binding region domain (IPR001828) of the encoded protein sequence. Five of five in-silico tools predict a damaging effect of the variant on protein function. The variant allele was found at a frequency of 4e-06 in 251306 control chromosomes. c.427G>A has been reported in the literature in individuals affected with Familial Hypocalciuric Hypercalcemia (e.g. Cole_2009, Mouly_2020, Mariathasan_2020). These data indicate that the variant may be associated with disease. A different variant affecting the same codon has been classified as pathogenic by our lab (c.428G>A,p.Gly143Glu), supporting the critical relevance of codon 143 to CASR protein function. To our knowledge, no experimental evidence demonstrating an impact on protein function has been reported. The following publications have been ascertained in the context of this evaluation (PMID: 19179454, 31189130, 32430905, 32347971, 34088669). ClinVar contains an entry for this variant (Variation ID: 237770). Based on the evidence outlined above, the variant was classified as pathogenic.

Ambry Genetics
Classification: Likely pathogenic for Nephrolithiasis/nephrocalcinosis. Last evaluated: 2024-05-28. Review status: criteria provided, single submitter. Criteria: Ambry Variant Classification Scheme 2023. Collection method: clinical testing. Allele origin: germline.
Comment: The p.G143R variant (also known as c.427G>A), located in coding exon 2 of the CASR gene, results from a G to A substitution at nucleotide position 427. The glycine at codon 143 is replaced by arginine, an amino acid with dissimilar properties. This alteration has been identified in multiple individuals diagnosed with hyperparathyroidism (Ambry internal data; Cole DE et al. J Mol Endocrinol, 2009 Apr;42:331-9; Mariathasan S et al. Clin Endocrinol (Oxf), 2020 Oct;93:409-418).This amino acid position is highly conserved in available vertebrate species. In addition, this alteration is predicted to be deleterious by in silico analysis. In addition, the evidence for the gene-disease relationship is limited for pancreatitis and cancer predisposition; therefore, the clinical significance of this variant for CASR-related pancreatitis and cancer predisposition is unclear. Loss-of-function variants in CASR are known to cause familial hypocalciuric hypercalcemia (FHH1); however, such associations with CASR-related hypocalcemia (ADH1) have not been reported (Hannan F et al. Nat Rev Endocrinol. 2018 Dec 1; 15(1): 33&ndash;51). Based on the supporting evidence, this variant is likely pathogenic for FHH1; however, the association of this variant with ADH1 is unlikely.

Athena Diagnostics
Classification: Likely pathogenic. Last evaluated: 2021-11-05. Review status: criteria provided, single submitter. Criteria: Athena Diagnostics Criteria. Collection method: clinical testing. Allele origin: unknown.
Comment: The frequency of this variant in the general population is consistent with pathogenicity. This variant has been identified in multiple unrelated individuals with clinical features associated with this gene. At least one other missense variant at this codon is considered to be pathogenic or likely pathogenic. Computational tools yielded predictions that this variant may result in the gain of a cryptic splice site without affecting the natural splice sites. Computational tools predict that this variant is damaging.

PreventionGenetics, part of Exact Sciences
Classification: Likely pathogenic for CASR-related condition. Last evaluated: 2024-03-22. Review status: no assertion criteria provided. Collection method: clinical testing. Allele origin: germline. Not counted in ClinVar's aggregate classification.
Comment: The CASR c.427G>A variant is predicted to result in the amino acid substitution p.Gly143Arg. The p.Gly143Arg variant has been reported to be causative for familial hypocalciuric hypercalcemia (Cole et al. 2009. PubMed ID: 19179454; Mouly et al. 2020. PubMed ID: 32347971). In addition, a different substitution of this same amino acid (p.Gly143Glu) has also been reported to be pathogenic (Zhang et al. 2002. PubMed ID: 12114500) and several functional studies indicate the p.Gly143 residue is important for normal protein function (Bai et al. 1996. PubMed ID: 8702647; Grant et al. 2012. PubMed ID: 23077345). This variant is reported in 0.00088% of alleles in individuals of European (Non-Finnish) descent in gnomAD. This variant is interpreted as likely pathogenic.

Literature cited by the submitters: PubMed 19179454 (cited by 5 submitters); PubMed 32347971 (cited by 3 submitters); PubMed 32430905 (cited by 5 submitters); PubMed 7726161 (cited by Labcorp Genetics (formerly Invitae), Labcorp and Mayo Clinic Laboratories, Mayo Clinic); PubMed 8702647 (cited by Labcorp Genetics (formerly Invitae), Labcorp and Mayo Clinic Laboratories, Mayo Clinic); PubMed 19389809 (cited by Labcorp Genetics (formerly Invitae), Labcorp and Mayo Clinic Laboratories, Mayo Clinic); PubMed 23077345 (cited by Labcorp Genetics (formerly Invitae), Labcorp and Mayo Clinic Laboratories, Mayo Clinic); PubMed 10077597 (cited by Mayo Clinic Laboratories, Mayo Clinic); PubMed 12095982 (cited by Mayo Clinic Laboratories, Mayo Clinic); PubMed 12114500 (cited by Mayo Clinic Laboratories, Mayo Clinic); PubMed 26963950 (cited by Mayo Clinic Laboratories, Mayo Clinic); PubMed 30019023 (cited by Mayo Clinic Laboratories, Mayo Clinic and Athena Diagnostics); PubMed 31189130 (cited by Women's Health and Genetics/Laboratory Corporation of America, LabCorp); PubMed 34088669 (cited by Women's Health and Genetics/Laboratory Corporation of America, LabCorp).